The following is an entry in ClinVar:

NM_002016.2(FLG):c.4055_4056insA (p.Ser1352fs)

Genes: CCDST (cervical cancer associated DHX9 suppressive transcript; plus strand), FLG (filaggrin; minus strand). Cytogenetic location: 1q21.3.
Variant type: Insertion.
Coding change: c.4055_4056insA on transcript NM_002016.2 (MANE Select); coding-DNA positions 4055 to 4056, A inserted.
Protein change: p.Ser1352fs; shifts the reading frame from serine 1352.
Molecular consequence: frameshift variant.
Genome position: GRCh38 VCF-style: chr1-152310830-A-AT. GRCh37 (hg19) VCF-style: chr1-152283306-A-AT.
Other names: short protein forms S1352fs.
Identifiers: ClinVar variation 5007616 (VCV005007616.2).

ClinVar aggregate classification (germline): Uncertain significance (1 of 4 stars; one submission).

Conditions:
Ichthyosis vulgaris. Also called: ICHTHYOSIS SIMPLEX; Dominant ichthyosis vulgaris. Identifiers: MedGen C0079584, MONDO:0024304, OMIM 146700.
Dermatitis, atopic, 2. Identifiers: MedGen C1853965, MONDO:0011596, OMIM 605803.

Submission:

Juno Genomics, Hangzhou Juno Genomics, Inc
Classification: Uncertain significance for Dermatitis, atopic, 2; Ichthyosis vulgaris. Review status: criteria provided, single submitter. Criteria: ACMG Guidelines, 2015. Collection method: clinical testing. Allele origin: germline.
Comment: Absent from controls (or at extremely low frequency if recessive) in Genome Aggregation Database.;Null variant in a gene where loss of function (LOF) is a known mechanism of disease.